The following is an entry in ClinVar:

NM_012330.4(KAT6B):c.2468C>T (p.Pro823Leu)

Gene: KAT6B (lysine acetyltransferase 6B; plus strand). Cytogenetic location: 10q22.2.
Variant type: single nucleotide variant.
Coding change: c.2468C>T on transcript NM_012330.4 (MANE Select); coding-DNA position 2468, C replaced by T.
Protein change: p.Pro823Leu; replaces proline 823 with leucine.
Molecular consequence: missense variant. On other transcripts: intron variant (4).
Genome position (GRCh38, 1-based): chr10:74,985,174, C>T. VCF-style: chr10-74985174-C-T. GRCh37 (hg19) VCF-style: chr10-76744932-C-T.
Other names: c.1919C>T, p.Pro640Leu (NM_001256468.2, NM_001370138.1); c.1592C>T, p.Pro531Leu (NM_001256469.2, NM_001370139.1, NM_001370140.1 and 2 more transcripts); c.2468C>T, p.Pro823Leu (NM_001370136.1, NM_001370137.1); c.1403C>T, p.Pro468Leu (NM_001370143.1, NM_001370144.1); c.847-3845C>T (NM_001370133.1); c.450+3246C>T (NM_001370134.1); c.1497+3246C>T (NM_001370132.1); c.193-3845C>T (NM_001370135.1); short protein forms P468L, P531L, P640L, P823L.
Identifiers: ClinVar variation 2579871 (VCV002579871.1), dbSNP rs2549007987, ClinGen allele CA377293850.
Genomic context (GRCh38, chr10:74,985,174, plus strand): 5'-ACCTTTGCTTGTTAGCCAAGCTCTTCCTGGACCACAAAACGTTGTATTATGATGTCGAGC[C>T]ATTCCTTTTTTATGTCCTTACAAAAAATGATGAAAAGGGCTGTCATCTGGTTGGATACTT-3'
Protein context (NP_036462.2, residues 813-833): DHKTLYYDVE[Pro823Leu]FLFYVLTKND

ClinVar aggregate classification (germline): Uncertain significance (1 of 4 stars; one submission).

Submission:

GeneDx
Classification: Uncertain significance. Last evaluated: 2023-03-15. Review status: criteria provided, single submitter. Criteria: GeneDx Variant Classification Process June 2021. Collection method: clinical testing. Allele origin: germline. Affected: yes.
Comment: Not observed at significant frequency in large population cohorts (gnomAD); In silico analysis supports that this missense variant has a deleterious effect on protein structure/function; Has not been previously published as pathogenic or benign to our knowledge